The following is an entry in ClinVar:

ClinVar aggregate classification (germline): Conflicting classifications of pathogenicity. Review status: criteria provided, conflicting classifications (1 of 4 stars). 3 submissions from 3 submitters: Likely pathogenic (2); Uncertain significance (1). Last evaluated 2026-02-13.

Conditions:
NDP-related disorders.
NDP-related disorder. Also called: NDP-related condition.

Submissions (3):

PreventionGenetics, part of Exact Sciences
Classification: Likely pathogenic for NDP-related condition. Last evaluated: 2026-02-13. Review status: criteria provided, single submitter. Criteria: ACMG Guidelines, 2015. Collection method: clinical testing. Allele origin: germline.
Comment: The NDP c.382T>C variant is predicted to result in the amino acid substitution p.Cys128Arg. This variant has been reported in one individual with Norrie disease (Royer et al. 2003. PubMed ID: 14635119). At PreventionGenetics, this variant was reported in unrelated individuals undergoing testing for suspected Norrie disease and was absent in unaffected family members (Internal Data). This variant is absent in a large population database (gnomAD), indicating this variant is rare. This variant is predicted damaging to the encoded protein (Liu et al. 2016. PMID:26555599). Additionally, an alternate missense change impacting the same amino acid (p.Cys128Phe) has also been reported in a newborn with Norrie disease (Smith et al. 2012. PubMed ID: 22786811). Given the evidence, the c.382T>C (p.Cys128Arg) is interpreted as likely pathogenic.

Labcorp Genetics (formerly Invitae), Labcorp
Classification: Uncertain significance. Last evaluated: 2025-04-20. Review status: criteria provided, single submitter. Criteria: Invitae Variant Classification Sherloc (09022015). Collection method: clinical testing. Allele origin: germline.
Comment: This sequence change replaces cysteine, which is neutral and slightly polar, with arginine, which is basic and polar, at codon 128 of the NDP protein (p.Cys128Arg). This variant is not present in population databases (gnomAD no frequency). This missense change has been observed in individual(s) with Norrie disease (PMID: 14635119). Invitae Evidence Modeling of protein sequence and biophysical properties (such as structural, functional, and spatial information, amino acid conservation, physicochemical variation, residue mobility, and thermodynamic stability) has been performed for this missense variant. However, the output from this modeling did not meet the statistical confidence thresholds required to predict the impact of this variant on NDP protein function. In summary, the available evidence is currently insufficient to determine the role of this variant in disease. Therefore, it has been classified as a Variant of Uncertain Significance.

Blueprint Genetics
Classification: Likely pathogenic for NDP-related disorders. Last evaluated: 2022-06-02. Review status: criteria provided, single submitter. Criteria: ACMG Guidelines, 2015. Collection method: clinical testing. Allele origin: germline. Affected: yes. Observed: 2 variant alleles.

Literature cited by the submitters: PubMed 14635119 (cited by Labcorp Genetics (formerly Invitae), Labcorp).

NM_000266.4(NDP):c.382T>C (p.Cys128Arg)

Genes: NDP (norrin cystine knot growth factor NDP; minus strand), NDP-AS1 (NDP antisense RNA 1; plus strand). Cytogenetic location: Xp11.3.
Variant type: single nucleotide variant.
Coding change: c.382T>C on transcript NM_000266.4 (MANE Select); coding-DNA position 382, T replaced by C.
Protein change: p.Cys128Arg; replaces cysteine 128 with arginine.
Molecular consequence: missense variant. On other transcripts: non-coding transcript variant (1).
Genome position (GRCh38, 1-based): chrX:43,949,819, A>G on the plus strand (T>C on the coding strand, the complement: NDP is on the minus strand). VCF-style: chrX-43949819-A-G. GRCh37 (hg19) VCF-style: chrX-43809065-A-G.
Other names: c.382T>C (NM_000266.3); short protein forms C128R.
Identifiers: ClinVar variation 4710738 (VCV004710738.3).